The following is an entry in ClinVar:

NM_001283009.2(RTEL1):c.2612C>T (p.Pro871Leu)

Genes: RTEL1 (regulator of telomere elongation helicase 1; plus strand), RTEL1-TNFRSF6B (RTEL1-TNFRSF6B readthrough (NMD candidate); plus strand). Cytogenetic location: 20q13.33.
Variant type: single nucleotide variant.
Coding change: c.2612C>T on transcript NM_001283009.2 (MANE Select); coding-DNA position 2612, C replaced by T.
Protein change: p.Pro871Leu; replaces proline 871 with leucine.
Molecular consequence: missense variant. On other transcripts: non-coding transcript variant (1).
Genome position (GRCh38, 1-based): chr20:63,691,797, C>T. VCF-style: chr20-63691797-C-T. GRCh37 (hg19) VCF-style: chr20-62323150-C-T.
Other names: c.1943C>T, p.Pro648Leu (NM_001283010.1); c.2612C>T, p.Pro871Leu (NM_016434.4); c.2684C>T, p.Pro895Leu (NM_032957.5); short protein forms P871L, P895L, P648L.
Identifiers: ClinVar variation 436590 (VCV000436590.18), dbSNP rs144002969, ClinGen allele CA9965429.

ClinVar aggregate classification (germline): Conflicting classifications of pathogenicity. Review status: criteria provided, conflicting classifications (1 of 4 stars). 8 submissions from 8 submitters: Uncertain significance (5); Benign (1). 2 of the submissions do not count toward it. Last evaluated 2026-01-22.

Conditions:
Dyskeratosis congenita, autosomal recessive 5 (DKCB5). Identifiers: MedGen C3554656, MONDO:0014076, OMIM 615190.
Dyskeratosis congenita. Identifiers: Orphanet 1775, MedGen C0265965, MONDO:0015780.
Pulmonary fibrosis and/or bone marrow failure, Telomere-related, 3. Also called: PULMONARY FIBROSIS AND/OR BONE MARROW FAILURE SYNDROME, TELOMERE-RELATED, 3. Identifiers: Orphanet 2032, MedGen C4225346, MONDO:0014613, OMIM 616373.

Allele frequency attached by ClinVar (database versions not stated): ExAC 0.00013; gnomAD exomes 0.00013; ESP Exome Variant Server 0.00015; gnomAD 0.00016 and 0.00017; TOPMed 0.00019; 1000 Genomes Project 30x 0.00031; 1000 Genomes Project 0.00040.
gnomAD v4.1: 202 of 1,612,356 alleles (0.013%); highest among the groups gnomAD compares: Middle Eastern, 0.05%; no homozygotes.

Submissions (8):

Labcorp Genetics (formerly Invitae), Labcorp
Classification: Benign for Dyskeratosis congenita, autosomal recessive 5; Pulmonary fibrosis and/or bone marrow failure, Telomere-related, 3. Last evaluated: 2026-01-22. Review status: criteria provided, single submitter. Criteria: Invitae Variant Classification Sherloc (09022015). Collection method: clinical testing. Allele origin: germline.

GeneDx
Classification: Uncertain significance. Last evaluated: 2024-06-10. Review status: criteria provided, single submitter. Criteria: GeneDx Variant Classification Process June 2021. Collection method: clinical testing. Allele origin: germline. Affected: yes.
Comment: In silico analysis indicates that this missense variant does not alter protein structure/function; This variant is associated with the following publications: (PMID: 34426522, 27824607, 29344583)

Fulgent Genetics
Classification: Uncertain significance for Dyskeratosis congenita, autosomal recessive 5; Pulmonary fibrosis and/or bone marrow failure, Telomere-related, 3. Last evaluated: 2024-03-31. Review status: criteria provided, single submitter. Criteria: ACMG Guidelines, 2015. Collection method: clinical testing. Allele origin: germline.

Department of Pathology and Laboratory Medicine, Sinai Health System
Classification: Uncertain significance for Dyskeratosis congenita, autosomal recessive 5; Pulmonary fibrosis and/or bone marrow failure, Telomere-related, 3. Last evaluated: 2021-11-17. Review status: criteria provided, single submitter. Criteria: ACMG Guidelines, 2015. Collection method: research. Allele origin: germline.

Genetic Services Laboratory, University of Chicago
Classification: Uncertain significance. Last evaluated: 2015-08-24. Review status: criteria provided, single submitter. Criteria: ACMG Guidelines, 2015. Collection method: clinical testing. Allele origin: germline. Affected: no.

Breakthrough Genomics
Classification: Uncertain significance. Review status: criteria provided, single submitter. Criteria: ACMG Guidelines, 2015. Collection method: not provided. Allele origin: germline. Inheritance: Autosomal dominant inheritance. Affected: yes.

Natera, Inc.
Classification: Uncertain significance for Dyskeratosis congenita. Last evaluated: 2020-01-29. Review status: no assertion criteria provided. Collection method: clinical testing. Allele origin: germline. Not counted in ClinVar's aggregate classification.

Counsyl
Classification: Uncertain significance for Dyskeratosis congenita, autosomal recessive 5. Last evaluated: 2018-03-12. Review status: no assertion criteria provided. Collection method: clinical testing. Allele origin: unknown. Not counted in ClinVar's aggregate classification.

Literature cited by the submitters: PubMed 27824607 (cited by Counsyl).